The following is an entry in ClinVar:

NM_001167623.2(CACNA1C):c.1140dup (p.Pro381fs)

Gene: CACNA1C (calcium voltage-gated channel subunit alpha1 C; plus strand). Cytogenetic location: 12p13.33.
Variant type: Duplication.
Coding change: c.1140dup on transcript NM_001167623.2 (MANE Plus Clinical); coding-DNA position 1140, one base duplicated (A; older notation c.1140dupA).
Protein change: p.Pro381fs; shifts the reading frame from proline 381.
Molecular consequence: frameshift variant. On other transcripts: intron variant (19).
Genome position (GRCh38, 1-based): chr12:2,504,462, A duplicated. VCF-style (leftmost placement, unchanged base first): chr12-2504461-T-TA. GRCh37 (hg19) VCF-style: chr12-2613627-T-TA.
Other names: c.1140dup, p.Pro381fs (NM_001129840.2, NM_001167624.3, NM_001167625.2); c.1114-380dup (NM_199460.4, NM_001129827.2, NM_001129832.2 and 15 more transcripts); c.1105-380dup (NM_001129844.2); short protein forms P381fs.
Identifiers: ClinVar variation 4976342 (VCV004976342.1).

ClinVar aggregate classification (germline): Uncertain significance (1 of 4 stars; one submission).

Submission:

GeneDx
Classification: Uncertain significance. Last evaluated: 2026-02-11. Review status: criteria provided, single submitter. Criteria: GeneDx Variant Classification Process June 2021. Collection method: clinical testing. Allele origin: germline.
Comment: Not observed at significant frequency in large population cohorts (gnomAD); Frameshift variant predicted to result in protein truncation or nonsense mediated decay in a transcript of the gene for which loss of function is not a well-established mechanism of disease; Has not been previously published as pathogenic or benign to our knowledge; Reported using an alternate transcript of the gene